The following is an entry in ClinVar:

NM_015972.4(POLR1D):c.380G>T (p.Ser127Ile)

Genes: POLR1D (RNA polymerase I and III subunit D; plus strand), LOC147380392 (uncharacterized LOC147380392; plus strand). Cytogenetic location: 13q12.2.
Variant type: single nucleotide variant.
Coding change: c.380G>T on transcript NM_015972.4 (MANE Select); coding-DNA position 380, G replaced by T.
Protein change: p.Ser127Ile; replaces serine 127 with isoleucine.
Molecular consequence: missense variant. On other transcripts: intron variant (2).
Genome position (GRCh38, 1-based): chr13:27,623,228, G>T. VCF-style: chr13-27623228-G-T. GRCh37 (hg19) VCF-style: chr13-28197365-G-T.
Other names: c.380G>T, p.Ser127Ile (NM_001374407.1); c.-59+2088G>T (NM_001206559.2); c.26+1219G>T (NM_152705.3); short protein forms S127I.
Identifiers: ClinVar variation 2210002 (VCV002210002.7), dbSNP rs534978633, ClinGen allele CA6927304.

ClinVar aggregate classification (germline): Uncertain significance. Review status: criteria provided, multiple submitters, no conflicts (2 of 4 stars). 4 submissions from 4 submitters: Uncertain significance (4). Last evaluated 2026-05-21.

Conditions:
Inborn genetic diseases. Identifiers: MedGen C0950123, MeSH D030342.
POLR1D-related disorder. Also called: POLR1D-related condition.

Allele frequency attached by ClinVar (database versions not stated): TOPMed 0.00002; ExAC 0.00004; gnomAD 0.00004.
gnomAD v4.1: 52 of 1,614,028 alleles (0.0032%); highest among the groups gnomAD compares: South Asian, 0.03%; no homozygotes.

Submissions (4):

PreventionGenetics, part of Exact Sciences
Classification: Uncertain significance for POLR1D-related condition. Last evaluated: 2026-05-21. Review status: criteria provided, single submitter. Criteria: ACMG Guidelines, 2015. Collection method: clinical testing. Allele origin: germline.
Comment: The POLR1D c.380G>T variant is predicted to result in the amino acid substitution p.Ser127Ile. To our knowledge, this variant has not been reported in the literature. This variant is reported in 0.016% of alleles in individuals of South Asian descent in gnomAD. At this time, the clinical significance of this variant is uncertain due to the absence of conclusive functional and genetic evidence.

Ambry Genetics
Classification: Uncertain significance for Inborn genetic diseases. Last evaluated: 2025-12-16. Review status: criteria provided, single submitter. Criteria: Ambry Variant Classification Scheme 2023. Collection method: clinical testing. Allele origin: germline.

GeneDx
Classification: Uncertain significance. Last evaluated: 2025-03-05. Review status: criteria provided, single submitter. Criteria: GeneDx Variant Classification Process June 2021. Collection method: clinical testing. Allele origin: germline. Affected: yes.
Comment: In silico analysis indicates that this missense variant does not alter protein structure/function; Has not been previously published as pathogenic or benign to our knowledge

Labcorp Genetics (formerly Invitae), Labcorp
Classification: Uncertain significance. Last evaluated: 2024-05-22. Review status: criteria provided, single submitter. Criteria: Invitae Variant Classification Sherloc (09022015). Collection method: clinical testing. Allele origin: germline.
Comment: This sequence change replaces serine, which is neutral and polar, with isoleucine, which is neutral and non-polar, at codon 127 of the POLR1D protein (p.Ser127Ile). This variant is present in population databases (rs534978633, gnomAD 0.02%). This variant has not been reported in the literature in individuals affected with POLR1D-related conditions. ClinVar contains an entry for this variant (Variation ID: 2210002). An algorithm developed to predict the effect of missense changes on protein structure and function (PolyPhen-2) suggests that this variant is likely to be tolerated. In summary, the available evidence is currently insufficient to determine the role of this variant in disease. Therefore, it has been classified as a Variant of Uncertain Significance.